The following is an entry in ClinVar:

ClinVar aggregate classification (germline): Conflicting classifications of pathogenicity. Review status: criteria provided, conflicting classifications (1 of 4 stars). 4 submissions from 4 submitters: Uncertain significance (3); Likely benign (1). Last evaluated 2026-01-15.

Allele frequency attached by ClinVar (database versions not stated): TOPMed below 0.00001; gnomAD 0.00001; gnomAD exomes 0.00002 and 0.00003; ExAC 0.00003.
gnomAD v4.1: 39 of 1,613,904 alleles (0.0024%); highest among the groups gnomAD compares: East Asian, 0.0089%; no homozygotes.

Submissions (4):

Labcorp Genetics (formerly Invitae), Labcorp
Classification: Likely benign. Last evaluated: 2026-01-15. Review status: criteria provided, single submitter. Criteria: Invitae Variant Classification Sherloc (09022015). Collection method: clinical testing. Allele origin: germline.

GeneDx
Classification: Uncertain significance. Last evaluated: 2024-07-16. Review status: criteria provided, single submitter. Criteria: GeneDx Variant Classification Process June 2021. Collection method: clinical testing. Allele origin: germline. Affected: yes.
Comment: In silico analysis supports that this missense variant has a deleterious effect on protein structure/function; Has not been previously published as pathogenic or benign to our knowledge

Blueprint Genetics
Classification: Uncertain significance. Last evaluated: 2024-07-08. Review status: criteria provided, single submitter. Criteria: ACMG Guidelines, 2015. Collection method: clinical testing. Allele origin: germline.

Eurofins Ntd Llc (ga)
Classification: Uncertain significance. Last evaluated: 2014-10-13. Review status: criteria provided, single submitter. Criteria: EGL Classification Definitions 2015. Collection method: clinical testing. Allele origin: germline. Observed: 2 variant alleles, 2 heterozygotes.

Literature cited by the submitters: PubMed 12402266 (cited by Eurofins Ntd Llc (ga)).

NM_032119.4(ADGRV1):c.16745C>T (p.Thr5582Met)

Gene: ADGRV1 (adhesion G protein-coupled receptor V1; plus strand). Cytogenetic location: 5q14.3.
Variant type: single nucleotide variant.
Coding change: c.16745C>T on transcript NM_032119.4 (MANE Select); coding-DNA position 16745, C replaced by T.
Protein change: p.Thr5582Met; replaces threonine 5582 with methionine.
Molecular consequence: missense variant. On other transcripts: non-coding transcript variant (1).
Genome position (GRCh38, 1-based): chr5:90,840,711, C>T. VCF-style: chr5-90840711-C-T. GRCh37 (hg19) VCF-style: chr5-90136528-C-T.
Other names: c.16745C>T (NM_032119.3); short protein forms T5582M.
Identifiers: ClinVar variation 198676 (VCV000198676.12), dbSNP rs771468922, ClinGen allele CA247473.
Genomic context (GRCh38, chr5:90,840,711, plus strand): 5'-CTGAAGGCACATTGGTCTTTGAACCTGGCCAGAGAAGCACTGTATTGGATGTCATCCTAA[C>T]GCCAGAGACAGGATCTTTAAATTCATTTCCTAAACGCTTCCAGATTGTCCTTTTTGACCC-3'
Protein context (NP_115495.3, residues 5572-5592): QRSTVLDVIL[Thr5582Met]PETGSLNSFP